The following is an entry in ClinVar:

ClinVar aggregate classification (germline): Uncertain significance (1 of 4 stars; one submission).

Conditions:
Inborn genetic diseases. Identifiers: MedGen C0950123, MeSH D030342.

Allele frequency attached by ClinVar (database versions not stated): ExAC 0.00001; gnomAD exomes 0.00001.

Submission:

Ambry Genetics
Classification: Uncertain significance for Inborn genetic diseases. Last evaluated: 2021-01-27. Review status: criteria provided, single submitter. Criteria: Ambry Variant Classification Scheme 2023. Collection method: clinical testing. Allele origin: germline.
Comment: The c.481C>T (p.H161Y) alteration is located in exon 5 (coding exon 5) of the EXOC7 gene. This alteration results from a C to T substitution at nucleotide position 481, causing the histidine (H) at amino acid position 161 to be replaced by a tyrosine (Y). The p.H161Y alteration is predicted to be tolerated by in silico analysis. Based on insufficient or conflicting evidence, the clinical significance of this alteration remains unclear.

NM_001013839.4(EXOC7):c.481C>T (p.His161Tyr)

Gene: EXOC7 (exocyst complex component 7; minus strand). Cytogenetic location: 17q25.1.
Variant type: single nucleotide variant.
Coding change: c.481C>T on transcript NM_001013839.4 (MANE Select); coding-DNA position 481, C replaced by T.
Protein change: p.His161Tyr; replaces histidine 161 with tyrosine.
Molecular consequence: missense variant.
Genome position (GRCh38, 1-based): chr17:76,097,955, G>A on the plus strand (C>T on the coding strand, the complement: EXOC7 is on the minus strand). VCF-style: chr17-76097955-G-A. GRCh37 (hg19) VCF-style: chr17-74094036-G-A.
Other names: c.358C>T, p.His120Tyr (NM_001145296.1, NM_001282313.2); c.481C>T, p.His161Tyr (NM_001145297.4, NM_001145298.4, NM_001145299.4 and 4 more transcripts); short protein forms H120Y, H161Y.
Identifiers: ClinVar variation 2228772 (VCV002228772.2), dbSNP rs756601936, ClinGen allele CA8781650.